The following is an entry in ClinVar:

NC_000010.10:g.(?_96068318)_(96076533_?)del

Gene: PLCE1 (phospholipase C epsilon 1; plus strand). Cytogenetic location: 10q23.33.
Variant type: Deletion.
Identifiers: ClinVar variation 3244993 (VCV003244993.1).

ClinVar aggregate classification (germline): Pathogenic (1 of 4 stars; one submission).

Submission:

Labcorp Genetics (formerly Invitae), Labcorp
Classification: Pathogenic. Last evaluated: 2024-01-12. Review status: criteria provided, single submitter. Criteria: Invitae Variant Classification Sherloc (09022015). Collection method: clinical testing. Allele origin: unknown.
Comment: This variant is a gross deletion of the genomic region encompassing exon(s) 27-29 of the PLCE1 gene. This deletion is out-of-frame, and is expected to create a premature termination codon and result in an absent or disrupted protein product. Loss-of-function variants in PLCE1 are known to be pathogenic (PMID: 17086182, 20591883). This variant has not been reported in the literature in individuals affected with PLCE1-related conditions. For these reasons, this variant has been classified as Pathogenic.

Literature cited by the submitters: PubMed 17086182; PubMed 20591883.